The following is an entry in ClinVar:

NM_005633.4(SOS1):c.3667C>T (p.Pro1223Ser)

Gene: SOS1 (SOS Ras/Rac guanine nucleotide exchange factor 1; minus strand). Cytogenetic location: 2p22.1.
Variant type: single nucleotide variant.
Coding change: c.3667C>T on transcript NM_005633.4 (MANE Select); coding-DNA position 3667, C replaced by T.
Protein change: p.Pro1223Ser; replaces proline 1223 with serine.
Molecular consequence: missense variant.
Genome position (GRCh38, 1-based): chr2:38,986,159, G>A on the plus strand (C>T on the coding strand, the complement: SOS1 is on the minus strand). VCF-style: chr2-38986159-G-A. GRCh37 (hg19) VCF-style: chr2-39213300-G-A.
Other names: c.3646C>T, p.Pro1216Ser (NM_001382394.1); c.3622C>T, p.Pro1208Ser (NM_001382395.1); c.3667C>T (NM_005633.3); short protein forms P1208S, P1216S, P1223S.
Identifiers: ClinVar variation 1022179 (VCV001022179.10), dbSNP rs1353982573, ClinGen allele CA346362563.

ClinVar aggregate classification (germline): Conflicting classifications of pathogenicity. Review status: criteria provided, conflicting classifications (1 of 4 stars). 2 submissions from 2 submitters: Uncertain significance (1); Likely benign (1). Last evaluated 2025-02-23.

Conditions:
Cardiovascular phenotype. Identifiers: MedGen CN230736.
RASopathy. Also called: Noonan spectrum disorder; rasopathies. Identifiers: Orphanet 536391, MedGen C5555857, MONDO:0021060.

Allele frequency attached by ClinVar (database versions not stated): gnomAD exomes below 0.00001.
gnomAD v4.1: 2 of 1,613,868 alleles (0.00012%); highest among the groups gnomAD compares: Non-Finnish European, 0.00017%; no homozygotes.

Submissions (2):

Ambry Genetics
Classification: Uncertain significance for Cardiovascular phenotype. Last evaluated: 2025-02-23. Review status: criteria provided, single submitter. Criteria: Ambry Variant Classification Scheme 2023. Collection method: clinical testing. Allele origin: germline.
Comment: The p.P1223S variant (also known as c.3667C>T), located in coding exon 23 of the SOS1 gene, results from a C to T substitution at nucleotide position 3667. The proline at codon 1223 is replaced by serine, an amino acid with similar properties. This amino acid position is conserved. In addition, the in silico prediction for this alteration is inconclusive. Based on the available evidence, the clinical significance of this variant remains unclear.

Labcorp Genetics (formerly Invitae), Labcorp
Classification: Likely benign for RASopathy. Last evaluated: 2025-02-17. Review status: criteria provided, single submitter. Criteria: Invitae Variant Classification Sherloc (09022015). Collection method: clinical testing. Allele origin: germline.